The following is an entry in ClinVar:

NM_014244.5(ADAMTS2):c.1176C>A (p.Cys392Ter)

Gene: ADAMTS2 (ADAM metallopeptidase with thrombospondin type 1 motif 2; minus strand). Cytogenetic location: 5q35.3.
Variant type: single nucleotide variant.
Coding change: c.1176C>A on transcript NM_014244.5 (MANE Select); coding-DNA position 1176, C replaced by A.
Protein change: p.Cys392Ter; replaces cysteine 392 with a stop codon.
Molecular consequence: nonsense.
Genome position (GRCh38, 1-based): chr5:179,154,876, G>T on the plus strand (C>A on the coding strand, the complement: ADAMTS2 is on the minus strand). VCF-style: chr5-179154876-G-T. GRCh37 (hg19) VCF-style: chr5-178581877-G-T.
Other names: c.1176C>A, p.Cys392Ter (NM_021599.4); short protein forms C392*.
Identifiers: ClinVar variation 4735682 (VCV004735682.1).

ClinVar aggregate classification (germline): Pathogenic (1 of 4 stars; one submission).

Conditions:
Ehlers-Danlos syndrome, dermatosparaxis type. Also called: Ehlers-Danlos syndrome, type VII, autosomal recessive; Dermatosparaxis; EDS VIIC. Identifiers: Orphanet 1901, MedGen C2700425, MONDO:0009161, OMIM 225410.

Submission:

Labcorp Genetics (formerly Invitae), Labcorp
Classification: Pathogenic for Ehlers-Danlos syndrome, dermatosparaxis type. Last evaluated: 2026-01-19. Review status: criteria provided, single submitter. Criteria: Invitae Variant Classification Sherloc (09022015). Collection method: clinical testing. Allele origin: germline.
Comment: This sequence change creates a premature translational stop signal (p.Cys392*) in the ADAMTS2 gene. It is expected to result in an absent or disrupted protein product. Loss-of-function variants in ADAMTS2 are known to be pathogenic (PMID: 10417273). This variant is not present in population databases (gnomAD no frequency). This variant has not been reported in the literature in individuals affected with ADAMTS2-related conditions. For these reasons, this variant has been classified as Pathogenic.

Literature cited by the submitters: PubMed 10417273.